The following is an entry in ClinVar:

ClinVar aggregate classification (germline): Conflicting classifications of pathogenicity. Review status: criteria provided, conflicting classifications (1 of 4 stars). 3 submissions from 3 submitters: Uncertain significance (1); Likely benign (2). Last evaluated 2026-01-26.

Conditions:
Cardiovascular phenotype. Identifiers: MedGen CN230736.
Familial hypobetalipoproteinemia 1. Also called: Hypobetalipoproteinemia, normotriglyceridemic; Acanthocytosis with hypobetalipoproteinemia; APOB-Related Familial Hypobetalipoproteinemia. Identifiers: MedGen C4551990, MONDO:0014252, OMIM 615558.
Hypercholesterolemia, autosomal dominant, type B (FHCL2). Also called: HYPERCHOLESTEROLEMIA, FAMILIAL, DUE TO LIGAND-DEFECTIVE APOLIPOPROTEIN B; Hyperlipoproteinemia Type IIb; Familial Hypercholesterolemia Type B; Familial hypercholesterolemia 2; APOB-Related Familial Hypercholesterolemia, Autosomal Dominant; APOLIPOPROTEIN B-100, FAMILIAL DEFECTIVE. Identifiers: MedGen C1704417, MONDO:0007751, OMIM 144010.
Hypercholesterolemia, familial, 1. Also called: HYPERCHOLESTEROLEMIA, FAMILIAL, MODIFIER OF; LDL RECEPTOR DISORDER; Hyperlipoproteinemia Type IIa; HYPER-LOW-DENSITY-LIPOPROTEINEMIA; HYPERCHOLESTEROLEMIC XANTHOMATOSIS, FAMILIAL; Fredrickson type IIa hyperlipoproteinemia. Identifiers: Orphanet 391665, MedGen C0745103, MONDO:0007750, OMIM 143890.

Allele frequency attached by ClinVar (database versions not stated): gnomAD 0.00002; gnomAD exomes 0.00002; ExAC 0.00002; TOPMed 0.00003; 1000 Genomes Project 30x 0.00031; 1000 Genomes Project 0.00040.

Submissions (3):

Labcorp Genetics (formerly Invitae), Labcorp
Classification: Likely benign for Familial hypobetalipoproteinemia 1; Hypercholesterolemia, autosomal dominant, type B. Last evaluated: 2026-01-26. Review status: criteria provided, single submitter. Criteria: Invitae Variant Classification Sherloc (09022015). Collection method: clinical testing. Allele origin: germline.

Ambry Genetics
Classification: Uncertain significance for Cardiovascular phenotype. Last evaluated: 2018-07-16. Review status: criteria provided, single submitter. Criteria: Ambry Variant Classification Scheme 2023. Collection method: clinical testing. Allele origin: germline.
Comment: The p.V862A variant (also known as c.2585T>C), located in coding exon 17 of the APOB gene, results from a T to C substitution at nucleotide position 2585. The valine at codon 862 is replaced by alanine, an amino acid with similar properties. This variant was reported in an individual with premature myocardial infarction; however, it was reportedly was not found to segregate with elevated LDL-C levels in other family members (Br&aelig;nne I et al. Eur. J. Hum. Genet., 2016 Feb;24:191-7). This amino acid position is not well conserved in available vertebrate species. In addition, this alteration is predicted to be tolerated by in silico analysis. Since supporting evidence is limited at this time, the clinical significance of this alteration remains unclear.

Institute for Integrative and Experimental Genomics, University of Luebeck
Classification: Likely benign for Familial Hypercholesterolemia. Review status: criteria provided, single submitter. Criteria: Submitter's publication. Collection method: research. Allele origin: germline. Inheritance: Autosomal dominant inheritance. Affected: no.

Literature cited by the submitters: PubMed 26036859 (cited by Ambry Genetics).

NM_000384.3(APOB):c.2585T>C (p.Val862Ala)

Gene: APOB (apolipoprotein B; minus strand). Cytogenetic location: 2p24.1.
Variant type: single nucleotide variant.
Coding change: c.2585T>C on transcript NM_000384.3 (MANE Select); coding-DNA position 2585, T replaced by C.
Protein change: p.Val862Ala; replaces valine 862 with alanine.
Molecular consequence: missense variant.
Genome position (GRCh38, 1-based): chr2:21,023,544, A>G on the plus strand (T>C on the coding strand, the complement: APOB is on the minus strand). VCF-style: chr2-21023544-A-G. GRCh37 (hg19) VCF-style: chr2-21246416-A-G.
Other names: short protein forms V862A.
Identifiers: ClinVar variation 189305 (VCV000189305.15), dbSNP rs145142090, ClinGen allele CA022812.
Genomic context (GRCh38, chr2:21,023,544, plus strand): 5'-AAGTAATAACCTAAGAAATCAAAAGGCAAACAGAATCTTACGTTGGCTACTTCCAGTTTT[A>G]CTCCAGCCTTGGCTCCGGGAGCAATGACTCCAGATGAAGATATTTGCAACTGTAATCCAG-3'
Protein context (NP_000375.3, residues 852-872): GVIAPGAKAG[Val862Ala]KLEVANMQAE